The following is an entry in ClinVar:

ClinVar aggregate classification (germline): Uncertain significance. Review status: criteria provided, multiple submitters, no conflicts (2 of 4 stars). 2 submissions from 2 submitters: Uncertain significance (2). Last evaluated 2024-05-20.

gnomAD v4.1: 4 of 1,211,106 alleles (0.00033%); highest among the groups gnomAD compares: Admixed American, 0.0022%; no homozygotes.

Submissions (2):

Labcorp Genetics (formerly Invitae), Labcorp
Classification: Uncertain significance. Last evaluated: 2024-05-20. Review status: criteria provided, single submitter. Criteria: Invitae Variant Classification Sherloc (09022015). Collection method: clinical testing. Allele origin: germline.
Comment: This sequence change replaces arginine, which is basic and polar, with cysteine, which is neutral and slightly polar, at codon 231 of the ATP6AP1 protein (p.Arg231Cys). This variant is present in population databases (no rsID available, gnomAD 0.005%). This variant has not been reported in the literature in individuals affected with ATP6AP1-related conditions. Advanced modeling of protein sequence and biophysical properties (such as structural, functional, and spatial information, amino acid conservation, physicochemical variation, residue mobility, and thermodynamic stability) performed at Invitae indicates that this missense variant is expected to disrupt ATP6AP1 protein function with a positive predictive value of 80%. In summary, the available evidence is currently insufficient to determine the role of this variant in disease. Therefore, it has been classified as a Variant of Uncertain Significance.

GeneDx
Classification: Uncertain significance. Last evaluated: 2023-06-23. Review status: criteria provided, single submitter. Criteria: GeneDx Variant Classification Process June 2021. Collection method: clinical testing. Allele origin: germline. Affected: yes.
Comment: In silico analysis supports that this missense variant has a deleterious effect on protein structure/function; Has not been previously published as pathogenic or benign to our knowledge

NM_001183.6(ATP6AP1):c.691C>T (p.Arg231Cys)

Gene: ATP6AP1 (ATPase H+ transporting accessory protein 1; plus strand). Cytogenetic location: Xq28.
Variant type: single nucleotide variant.
Coding change: c.691C>T on transcript NM_001183.6 (MANE Select); coding-DNA position 691, C replaced by T.
Protein change: p.Arg231Cys; replaces arginine 231 with cysteine.
Molecular consequence: missense variant.
Genome position (GRCh38, 1-based): chrX:154,434,214, C>T. VCF-style: chrX-154434214-C-T. GRCh37 (hg19) VCF-style: chrX-153662560-C-T.
Other names: short protein forms R231C.
Identifiers: ClinVar variation 3360385 (VCV003360385.3).